The following is an entry in ClinVar:

NM_017780.4(CHD7):c.7518G>A (p.Glu2506=)

Gene: CHD7 (chromodomain helicase DNA binding protein 7; plus strand). Cytogenetic location: 8q12.2.
Variant type: single nucleotide variant.
Coding change: c.7518G>A on transcript NM_017780.4 (MANE Select); coding-DNA position 7518, G replaced by A.
Protein change: p.Glu2506=; no amino-acid change (glutamic acid 2506 retained).
Molecular consequence: synonymous variant. On other transcripts: intron variant (1).
Genome position (GRCh38, 1-based): chr8:60,856,798, G>A. VCF-style: chr8-60856798-G-A. GRCh37 (hg19) VCF-style: chr8-61769357-G-A.
Other names: c.1717-5431G>A (NM_001316690.1).
Identifiers: ClinVar variation 3047573 (VCV003047573.4), dbSNP rs760485442, ClinGen allele CA4760826.

ClinVar aggregate classification (germline): Benign. Review status: criteria provided, single submitter (1 of 4 stars). 2 submissions from 2 submitters: Benign (1). 1 of the submissions does not count toward it. Last evaluated 2024-10-27.

Conditions:
CHD7-related disorder. Also called: CHD7-related condition.
CHARGE syndrome (CHARGE). Also called: Hittner Hirsch Kreh syndrome; CHARGE ASSOCIATION--COLOBOMA, HEART ANOMALY, CHOANAL ATRESIA, RETARDATION, GENITAL AND EAR ANOMALIES; Coloboma, heart anomaly, choanal atresia, retardation, genital and ear anomalies; CHARGE association; Hall-Hittner syndrome. Identifiers: Orphanet 138, MedGen C0265354, MONDO:0008965.

Allele frequency attached by ClinVar (database versions not stated): ExAC 0.00004.
gnomAD v4.1: 21 of 1,609,488 alleles (0.0013%); highest among the groups gnomAD compares: South Asian, 0.023%; no homozygotes.

Submissions (2):

Labcorp Genetics (formerly Invitae), Labcorp
Classification: Benign for CHARGE syndrome. Last evaluated: 2024-10-27. Review status: criteria provided, single submitter. Criteria: Invitae Variant Classification Sherloc (09022015). Collection method: clinical testing. Allele origin: germline.

PreventionGenetics, part of Exact Sciences
Classification: Likely benign for CHD7-related condition. Last evaluated: 2019-02-22. Review status: no assertion criteria provided. Collection method: clinical testing. Allele origin: germline. Not counted in ClinVar's aggregate classification.
Comment: This variant is classified as likely benign based on ACMG/AMP sequence variant interpretation guidelines (Richards et al. 2015 PMID: 25741868, with internal and published modifications).